The following is an entry in ClinVar:

NM_133259.4(LRPPRC):c.2058_2059del (p.Leu687fs)

Gene: LRPPRC (leucine rich pentatricopeptide repeat containing; minus strand). Cytogenetic location: 2p21.
Variant type: Microsatellite.
Coding change: c.2058_2059del on transcript NM_133259.4 (MANE Select); coding-DNA positions 2058 to 2059, 2 bases deleted (AT; older notation c.2058_2059delAT).
Protein change: p.Leu687fs; shifts the reading frame from leucine 687.
Molecular consequence: frameshift variant.
Genome position (GRCh38, 1-based): chr2:43,947,277-43,947,278, AT deleted on the plus strand (AT on the coding strand, the reverse complement: LRPPRC is on the minus strand); deleting any 2 consecutive bases within chr2:43,947,277-43,947,280 gives the same sequence; the c. name uses the placement nearest the transcript's 3' end. VCF-style (leftmost placement, unchanged base first): chr2-43947276-AAT-A. GRCh37 (hg19) VCF-style: chr2-44174415-AAT-A.
Other names: short protein forms L687fs.
Identifiers: ClinVar variation 1395779 (VCV001395779.7), dbSNP rs2105084937, ClinGen allele CA2580611273.

ClinVar aggregate classification (germline): Pathogenic. Review status: criteria provided, multiple submitters, no conflicts (2 of 4 stars). 2 submissions from 2 submitters: Pathogenic (2). Last evaluated 2025-02-07.

Conditions:
Congenital lactic acidosis, Saguenay-Lac-Saint-Jean type (MC4DN5). Also called: CYTOCHROME c OXIDASE DEFICIENCY, FRENCH CANADIAN TYPE; COX DEFICIENCY, FRENCH CANADIAN TYPE; MITOCHONDRIAL COMPLEX IV DEFICIENCY, NUCLEAR TYPE 5. Identifiers: Orphanet 70472, MedGen C1857355, MONDO:0009069, OMIM 220111.

Submissions (2):

Myriad Genetics, Inc.
Classification: Pathogenic for Congenital lactic acidosis, Saguenay-Lac-Saint-Jean type. Last evaluated: 2025-02-07. Review status: criteria provided, single submitter. Criteria: Myriad Autosomal Dominant, Autosomal Recessive and X-Linked Classification Criteria (2023). Collection method: clinical testing. Allele origin: unknown.
Comment: NM_133259.3(LRPPRC):c.2058_2059delAT(L687Sfs*13) is expected to be pathogenic in the context of Leigh syndrome, French-Canadian type. This variant is predicted to lead to an abnormal or absent protein product due to the creation of a premature termination codon in LRPPRC, a gene where loss-of-function variants are known to be pathogenic. Please note: this variant was assessed in the context of healthy population screening.

Labcorp Genetics (formerly Invitae), Labcorp
Classification: Pathogenic. Last evaluated: 2023-12-02. Review status: criteria provided, single submitter. Criteria: Invitae Variant Classification Sherloc (09022015). Collection method: clinical testing. Allele origin: germline.
Comment: This sequence change creates a premature translational stop signal (p.Leu687Serfs*13) in the LRPPRC gene. It is expected to result in an absent or disrupted protein product. Loss-of-function variants in LRPPRC are known to be pathogenic (PMID: 26510951). This variant is not present in population databases (gnomAD no frequency). This variant has not been reported in the literature in individuals affected with LRPPRC-related conditions. For these reasons, this variant has been classified as Pathogenic.

Literature cited by the submitters: PubMed 26510951 (cited by Labcorp Genetics (formerly Invitae), Labcorp).